The following is an entry in ClinVar:

ClinVar aggregate classification (germline): Conflicting classifications of pathogenicity. Review status: criteria provided, conflicting classifications (1 of 4 stars). 2 submissions from 2 submitters: Likely pathogenic, low penetrance (1); Uncertain significance (1). Last evaluated 2025-09-26.

Conditions:
Atypical hemolytic-uremic syndrome. Identifiers: Orphanet 2134, MedGen C2931788, MONDO:0016244.

gnomAD v4.1: 5 of 1,613,640 alleles (0.00031%); highest among the groups gnomAD compares: Non-Finnish European, 0.00042%; no homozygotes.

Submissions (2):

Genomenon, Inc
Classification: Likely pathogenic, low penetrance for Atypical hemolytic-uremic syndrome. Last evaluated: 2025-09-26. Review status: criteria provided, single submitter. Criteria: Genomenon Sequence Variant Interpretation Standards - Updated. Collection method: curation. Allele origin: germline. Affected: yes.
Comment: CFI p.Arg339Leu (c.1016G>T) is a missense variant that changes the amino acid at residue 339 from Arginine to Leucine. This variant has been observed in at least one proband affected with atypical hemolytic-uremic syndrome (PMID:26826462). The presence of pathogenic/likely pathogenic missense variant(s) at the same amino acid position indicates that this residue is likely important for protein function. It is absent or not present at a significant frequency in gnomAD. In silico models agree that this variant is possibly or probably damaging. In conclusion, we classify CFI p.Arg339Leu (c.1016G>T) as a likely pathogenic, low penetrance variant.

Labcorp Genetics (formerly Invitae), Labcorp
Classification: Uncertain significance. Last evaluated: 2024-05-05. Review status: criteria provided, single submitter. Criteria: Invitae Variant Classification Sherloc (09022015). Collection method: clinical testing. Allele origin: germline.
Comment: This sequence change replaces arginine, which is basic and polar, with leucine, which is neutral and non-polar, at codon 339 of the CFI protein (p.Arg339Leu). This variant is not present in population databases (gnomAD no frequency). This missense change has been observed in individual(s) with atypical hemolytic uremic syndrome (PMID: 26826462). ClinVar contains an entry for this variant (Variation ID: 1008106). Advanced modeling of protein sequence and biophysical properties (such as structural, functional, and spatial information, amino acid conservation, physicochemical variation, residue mobility, and thermodynamic stability) performed at Invitae indicates that this missense variant is expected to disrupt CFI protein function with a positive predictive value of 80%. Algorithms developed to predict the effect of sequence changes on RNA splicing suggest that this variant may disrupt the consensus splice site. In summary, the available evidence is currently insufficient to determine the role of this variant in disease. Therefore, it has been classified as a Variant of Uncertain Significance.

Literature cited by the submitters: PubMed 26826462 (cited by Genomenon, Inc and Labcorp Genetics (formerly Invitae), Labcorp).

NM_000204.5(CFI):c.1016G>T (p.Arg339Leu)

Gene: CFI (complement factor I; minus strand). Cytogenetic location: 4q25.
Variant type: single nucleotide variant.
Coding change: c.1016G>T on transcript NM_000204.5 (MANE Select); coding-DNA position 1016, G replaced by T.
Protein change: p.Arg339Leu; replaces arginine 339 with leucine.
Molecular consequence: missense variant. On other transcripts: non-coding transcript variant (3).
Genome position (GRCh38, 1-based): chr4:109,749,527, C>A on the plus strand (G>T on the coding strand, the complement: CFI is on the minus strand). VCF-style: chr4-109749527-C-A. GRCh37 (hg19) VCF-style: chr4-110670683-C-A.
Other names: c.1040G>T, p.Arg347Leu (NM_001318057.2, NM_001375278.1); c.995G>T, p.Arg332Leu (NM_001331035.2, NM_001375280.1, NM_001375282.1); c.1016G>T, p.Arg339Leu (NM_001375279.1, NM_001375281.1); c.959G>T, p.Arg320Leu (NM_001375283.1); c.407G>T, p.Arg136Leu (NM_001375284.1); short protein forms R136L, R320L, R332L, R339L, R347L.
Identifiers: ClinVar variation 1008106 (VCV001008106.6), dbSNP rs773085612, ClinGen allele CA357859027.
Genomic context (GRCh38, chr4:109,749,527, plus strand): 5'-CAGTTGCATTGTGACTTTTCATGCGACTTTACCAGTTGTGCTCGCTTTCCTCCCACAATT[C>A]GTTTCCTTCGAATGTGCATTCTGTTTTTAACTCCACAAGATAGTTTAGGTAATAATGATT-3'
Protein context (NP_000195.3, residues 329-349): VKNRMHIRRK[Arg339Leu]IVGGKRAQLG